The following is an entry in ClinVar:

NM_000152.5(GAA):c.1209C>A (p.Asn403Lys)

Gene: GAA (alpha glucosidase; plus strand). Cytogenetic location: 17q25.3.
Variant type: single nucleotide variant.
Coding change: c.1209C>A on transcript NM_000152.5 (MANE Select); coding-DNA position 1209, C replaced by A.
Protein change: p.Asn403Lys; replaces asparagine 403 with lysine.
Molecular consequence: missense variant.
Genome position (GRCh38, 1-based): chr17:80,108,711, C>A. VCF-style: chr17-80108711-C-A. GRCh37 (hg19) VCF-style: chr17-78082510-C-A.
Other names: c.1209C>A, p.Asn403Lys (NM_001079803.3, NM_001079804.3, NM_001406741.1 and 1 more transcripts); short protein forms N403K.
Identifiers: ClinVar variation 4876615 (VCV004876615.1).
Genomic context (GRCh38, chr17:80,108,711, plus strand): 5'-CGCGTCTCCTCAGGCCCCAGCAGACGGTCCCGTGTTGTGGCTGCAGGACGTCCAGTGGAA[C>A]GACCTGGACTACATGGACTCCCGGAGGGACTTCACGTTCAACAAGGATGGCTTCCGGGAC-3'
Protein context (NP_000143.2, residues 393-413): RAHFPLDVQW[Asn403Lys]DLDYMDSRRD

ClinVar aggregate classification (germline): Uncertain significance (1 of 4 stars; one submission).

Conditions:
Glycogen storage disease, type II (IOPD). Also called: Pompe Disease; CARDIOMEGALIA GLYCOGENICA DIFFUSA; GLYCOGENOSIS, GENERALIZED, CARDIAC FORM; GSD II; POMPE DISEASE, INFANTILE-ONSET; GLYCOGEN STORAGE DISEASE II, INFANTILE-ONSET. Identifiers: Orphanet 365, MedGen C0017921, MONDO:0009290, OMIM 232300.

Submission:

Genomenon, Inc
Classification: Uncertain significance for Glycogen storage disease, type II. Last evaluated: 2026-07-01. Review status: criteria provided, single submitter. Criteria: Genomenon Sequence Variant Interpretation Standards - Updated. Collection method: curation. Allele origin: germline. Affected: yes.
Comment: GAA p.Asn403Lys (c.1209C>A) is a missense variant that changes the amino acid at codon 403 from Asparagine to Lysine. This variant has been observed in at least one proband with a GAA-related disorder in the compound heterozygous and/or homozygous state (PMID:28032299). It is absent or not present at a significant frequency in gnomAD. In conclusion, we classify GAA p.Asn403Lys (c.1209C>A) as a variant of uncertain significance.

Literature cited by the submitters: PubMed 28032299.